The following is an entry in ClinVar:

ClinVar aggregate classification (germline): Benign (1 of 4 stars; one submission).

Submission:

GeneDx
Classification: Benign. Last evaluated: 2018-06-19. Review status: criteria provided, single submitter. Criteria: GeneDx Variant Classification (06012015). Collection method: clinical testing. Allele origin: germline. Affected: yes.
Comment: This variant is considered likely benign or benign based on one or more of the following criteria: it is a conservative change, it occurs at a poorly conserved position in the protein, it is predicted to be benign by multiple in silico algorithms, and/or has population frequency not consistent with disease.

NM_005032.7(PLS3):c.1263-309del

Gene: PLS3 (plastin 3; plus strand). Cytogenetic location: Xq23.
Variant type: Deletion.
Coding change: c.1263-309del on transcript NM_005032.7 (MANE Select); 309 bases into the intron before coding-DNA position 1263, one base deleted (C; older notation c.1263-309delC).
Molecular consequence: intron variant.
Genome position (GRCh38, 1-based): chrX:115,645,763, C deleted; the last of 6 consecutive C bases (chrX:115,645,758-115,645,763); deleting any one gives the same sequence. VCF-style (leftmost placement, unchanged base first): chrX-115645757-AC-A. GRCh37 (hg19) VCF-style: chrX-114880077-AC-A.
Other names: c.1224-309del (NM_001282337.2); c.1128-309del (NM_001282338.2); c.1263-309del (NM_001136025.5); c.1182-309del (NM_001172335.3).
Identifiers: ClinVar variation 671541 (VCV000671541.1), dbSNP rs5903456, ClinGen allele CA334698746.